The following is an entry in ClinVar:

ClinVar aggregate classification (germline): Uncertain significance (1 of 4 stars; one submission).

Conditions:
Cardiovascular phenotype. Identifiers: MedGen CN230736.
Hereditary cancer-predisposing syndrome. Also called: Hereditary Cancer Syndrome; Hereditary neoplastic syndrome; Neoplastic Syndromes, Hereditary; Tumor predisposition. Identifiers: Orphanet 140162, MedGen C0027672, MeSH D009386, MONDO:0015356.

Submission:

Ambry Genetics
Classification: Uncertain significance for Cardiovascular phenotype; Hereditary cancer-predisposing syndrome. Last evaluated: 2022-04-29. Review status: criteria provided, single submitter. Criteria: Ambry Variant Classification Scheme 2023. Collection method: clinical testing. Allele origin: germline.
Comment: The p.L508I variant (also known as c.1522C>A), located in coding exon 13 of the NF1 gene, results from a C to A substitution at nucleotide position 1522. The leucine at codon 508 is replaced by isoleucine, an amino acid with highly similar properties. This amino acid position is conserved. In addition, this alteration is predicted to be tolerated by in silico analysis. Since supporting evidence is limited at this time, the clinical significance of this alteration remains unclear.

NM_001042492.3(NF1):c.1522C>A (p.Leu508Ile)

Gene: NF1 (neurofibromin 1; plus strand). Cytogenetic location: 17q11.2.
Variant type: single nucleotide variant.
Coding change: c.1522C>A on transcript NM_001042492.3 (MANE Select); coding-DNA position 1522, C replaced by A.
Protein change: p.Leu508Ile; replaces leucine 508 with isoleucine.
Molecular consequence: missense variant.
Genome position (GRCh38, 1-based): chr17:31,214,580, C>A. VCF-style: chr17-31214580-C-A. GRCh37 (hg19) VCF-style: chr17-29541598-C-A.
Other names: c.1522C>A, p.Leu508Ile (NM_000267.4, NM_001128147.3); short protein forms L508I.
Identifiers: ClinVar variation 1774452 (VCV001774452.2), dbSNP rs1597698512, ClinGen allele CA399001699.